The following is an entry in ClinVar:

NM_006302.3(MOGS):c.755A>T (p.Asp252Val)

Gene: MOGS (mannosyl-oligosaccharide glucosidase; minus strand). Cytogenetic location: 2p13.1.
Variant type: single nucleotide variant.
Coding change: c.755A>T on transcript NM_006302.3 (MANE Select); coding-DNA position 755, A replaced by T.
Protein change: p.Asp252Val; replaces aspartic acid 252 with valine.
Molecular consequence: missense variant.
Genome position (GRCh38, 1-based): chr2:74,463,211, T>A on the plus strand (A>T on the coding strand, the complement: MOGS is on the minus strand). VCF-style: chr2-74463211-T-A. GRCh37 (hg19) VCF-style: chr2-74690338-T-A.
Other names: c.437A>T, p.Asp146Val (NM_001146158.2); short protein forms D252V, D146V.
Identifiers: ClinVar variation 1938983 (VCV001938983.5), dbSNP rs2529498810, ClinGen allele CA347379538.

ClinVar aggregate classification (germline): Uncertain significance (1 of 4 stars; one submission).

Conditions:
MOGS-congenital disorder of glycosylation. Also called: CDG IIb; GLUCOSIDASE I DEFICIENCY; CDG 2B; MOGS-CDG. Identifiers: Orphanet 79330, MedGen C1853736, MONDO:0011629, OMIM 606056.

Submission:

Labcorp Genetics (formerly Invitae), Labcorp
Classification: Uncertain significance for MOGS-congenital disorder of glycosylation. Last evaluated: 2022-05-22. Review status: criteria provided, single submitter. Criteria: Invitae Variant Classification Sherloc (09022015). Collection method: clinical testing. Allele origin: germline.
Comment: This variant is not present in population databases (gnomAD no frequency). This sequence change replaces aspartic acid, which is acidic and polar, with valine, which is neutral and non-polar, at codon 252 of the MOGS protein (p.Asp252Val). This variant has not been reported in the literature in individuals affected with MOGS-related conditions. In summary, the available evidence is currently insufficient to determine the role of this variant in disease. Therefore, it has been classified as a Variant of Uncertain Significance. Algorithms developed to predict the effect of missense changes on protein structure and function are either unavailable or do not agree on the potential impact of this missense change (SIFT: "Tolerated"; PolyPhen-2: "Possibly Damaging"; Align-GVGD: "Class C0").